The following is an entry in ClinVar:

ClinVar aggregate classification (germline): Uncertain significance (0 of 4 stars; one submission).

Conditions:
TBK1-related disorder. Also called: TBK1-related condition.

gnomAD v4.1: 3 of 1,610,388 alleles (0.00019%); highest among the groups gnomAD compares: African/African-American, 0.0027%; no homozygotes.

Submission:

PreventionGenetics, part of Exact Sciences
Classification: Uncertain significance for TBK1-related condition. Last evaluated: 2024-08-09. Review status: no assertion criteria provided. Collection method: clinical testing. Allele origin: germline.
Comment: The TBK1 c.1469T>A variant is predicted to result in the amino acid substitution p.Leu490Gln. To our knowledge, this variant has not been reported in the literature or in a large population database, indicating this variant is rare. At this time, the clinical significance of this variant is uncertain due to the absence of conclusive functional and genetic evidence.

NM_013254.4(TBK1):c.1469T>A (p.Leu490Gln)

Gene: TBK1 (TANK binding kinase 1; plus strand). Cytogenetic location: 12q14.2.
Variant type: single nucleotide variant.
Coding change: c.1469T>A on transcript NM_013254.4 (MANE Select); coding-DNA position 1469, T replaced by A.
Protein change: p.Leu490Gln; replaces leucine 490 with glutamine.
Molecular consequence: missense variant.
Genome position (GRCh38, 1-based): chr12:64,490,067, T>A. VCF-style: chr12-64490067-T-A. GRCh37 (hg19) VCF-style: chr12-64883847-T-A.
Other names: short protein forms L490Q.
Identifiers: ClinVar variation 3346243 (VCV003346243.1).